The following is an entry in ClinVar:

NM_001060.6(TBXA2R):c.167G>T (p.Gly56Val)

Gene: TBXA2R (thromboxane A2 receptor; minus strand). Cytogenetic location: 19p13.3.
Variant type: single nucleotide variant.
Coding change: c.167G>T on transcript NM_001060.6 (MANE Select); coding-DNA position 167, G replaced by T.
Protein change: p.Gly56Val; replaces glycine 56 with valine.
Molecular consequence: missense variant.
Genome position (GRCh38, 1-based): chr19:3,600,468, C>A on the plus strand (G>T on the coding strand, the complement: TBXA2R is on the minus strand). VCF-style: chr19-3600468-C-A. GRCh37 (hg19) VCF-style: chr19-3600466-C-A.
Other names: c.167G>T, p.Gly56Val (NM_201636.3); short protein forms G56V.
Identifiers: ClinVar variation 3684629 (VCV003684629.2).
Genomic context (GRCh38, chr19:3,600,468, plus strand): 5'-AGGAAGTCGGTGAGGACGAGGCCGCAGAGGAAGGTGAGGAAGGAGGAGCGCGTGTGCGAA[C>A]CCCCCTGCCGCGCGCCCGCCAGCACGCTCAGGGCCAGCAGGTTGGAGGCCAGGCCCACCA-3'
Protein context (NP_001051.1, residues 46-66): LSVLAGARQG[Gly56Val]SHTRSSFLTF

ClinVar aggregate classification (germline): Uncertain significance (1 of 4 stars; one submission).

gnomAD v4.1: 3 of 1,612,582 alleles (0.00019%); highest among the groups gnomAD compares: East Asian, 0.0022%; no homozygotes.

Submission:

Labcorp Genetics (formerly Invitae), Labcorp
Classification: Uncertain significance. Last evaluated: 2024-12-03. Review status: criteria provided, single submitter. Criteria: Invitae Variant Classification Sherloc (09022015). Collection method: clinical testing. Allele origin: germline.
Comment: This sequence change replaces glycine, which is neutral and non-polar, with valine, which is neutral and non-polar, at codon 56 of the TBXA2R protein (p.Gly56Val). This variant is present in population databases (no rsID available, gnomAD 0.06%). This variant has not been reported in the literature in individuals affected with TBXA2R-related conditions. An algorithm developed to predict the effect of missense changes on protein structure and function (PolyPhen-2) suggests that this variant is likely to be tolerated. In summary, the available evidence is currently insufficient to determine the role of this variant in disease. Therefore, it has been classified as a Variant of Uncertain Significance.